The following is an entry in ClinVar:

NM_014875.3(KIF14):c.1017A>T (p.Glu339Asp)

Gene: KIF14 (kinesin family member 14; minus strand). Cytogenetic location: 1q32.1.
Variant type: single nucleotide variant.
Coding change: c.1017A>T on transcript NM_014875.3 (MANE Select); coding-DNA position 1017, A replaced by T.
Protein change: p.Glu339Asp; replaces glutamic acid 339 with aspartic acid.
Molecular consequence: missense variant. On other transcripts: 5 prime UTR variant (1).
Genome position (GRCh38, 1-based): chr1:200,617,707, T>A on the plus strand (A>T on the coding strand, the complement: KIF14 is on the minus strand). VCF-style: chr1-200617707-T-A. GRCh37 (hg19) VCF-style: chr1-200586835-T-A.
Other names: c.-369A>T (NM_001305792.1); short protein forms E339D.
Identifiers: ClinVar variation 1696324 (VCV001696324.8), dbSNP rs140036867, ClinGen allele CA1317923.

ClinVar aggregate classification (germline): Uncertain significance. Review status: criteria provided, multiple submitters, no conflicts (2 of 4 stars). 3 submissions from 3 submitters: Uncertain significance (3). Last evaluated 2023-08-28.

Conditions:
Inborn genetic diseases. Identifiers: MedGen C0950123, MeSH D030342.

Allele frequency attached by ClinVar (database versions not stated): ESP Exome Variant Server 0.00038; TOPMed 0.00044; ExAC 0.00017; gnomAD 0.00038 and 0.00041; 1000 Genomes Project 0.00040; 1000 Genomes Project 30x 0.00047.
gnomAD v4.1: 99 of 1,614,250 alleles (0.0061%); highest among the groups gnomAD compares: African/African-American, 0.1%; no homozygotes.

Submissions (3):

Ambry Genetics
Classification: Uncertain significance for Inborn genetic diseases. Last evaluated: 2023-08-28. Review status: criteria provided, single submitter. Criteria: Ambry Variant Classification Scheme 2023. Collection method: clinical testing. Allele origin: germline.

Women's Health and Genetics/Laboratory Corporation of America, LabCorp
Classification: Uncertain significance. Last evaluated: 2022-05-03. Review status: criteria provided, single submitter. Criteria: LabCorp Variant Classification Summary - May 2015. Collection method: clinical testing. Allele origin: germline.

Labcorp Genetics (formerly Invitae), Labcorp
Classification: Uncertain significance. Last evaluated: 2022-02-22. Review status: criteria provided, single submitter. Criteria: Invitae Variant Classification Sherloc (09022015). Collection method: clinical testing. Allele origin: germline.
Comment: In summary, the available evidence is currently insufficient to determine the role of this variant in disease. Therefore, it has been classified as a Variant of Uncertain Significance. Algorithms developed to predict the effect of missense changes on protein structure and function (SIFT, PolyPhen-2, Align-GVGD) all suggest that this variant is likely to be tolerated. This variant has not been reported in the literature in individuals affected with KIF14-related conditions. This variant is present in population databases (rs140036867, gnomAD 0.1%). This sequence change replaces glutamic acid, which is acidic and polar, with aspartic acid, which is acidic and polar, at codon 339 of the KIF14 protein (p.Glu339Asp).